The following is an entry in ClinVar:

NM_002292.4(LAMB2):c.5020C>T (p.Arg1674Trp)

Gene: LAMB2 (laminin subunit beta 2; minus strand). Cytogenetic location: 3p21.31.
Variant type: single nucleotide variant.
Coding change: c.5020C>T on transcript NM_002292.4 (MANE Select); coding-DNA position 5020, C replaced by T.
Protein change: p.Arg1674Trp; replaces arginine 1674 with tryptophan.
Molecular consequence: missense variant.
Genome position (GRCh38, 1-based): chr3:49,121,764, G>A on the plus strand (C>T on the coding strand, the complement: LAMB2 is on the minus strand). VCF-style: chr3-49121764-G-A. GRCh37 (hg19) VCF-style: chr3-49159197-G-A.
Other names: c.5020C>T (NM_002292.3); short protein forms R1674W.
Identifiers: ClinVar variation 1405752 (VCV001405752.6), dbSNP rs138816491, ClinGen allele CA2393630.

ClinVar aggregate classification (germline): Conflicting classifications of pathogenicity. Review status: criteria provided, conflicting classifications (1 of 4 stars). 2 submissions from 2 submitters: Uncertain significance (1); Likely benign (1). Last evaluated 2025-09-24.

Conditions:
Inborn genetic diseases. Identifiers: MedGen C0950123, MeSH D030342.
Pierson syndrome. Also called: MICROCORIA-CONGENITAL NEPHROTIC SYNDROME. Identifiers: Orphanet 2670, MedGen C1836876, MONDO:0012184, OMIM 609049.
LAMB2-related infantile-onset nephrotic syndrome. Also called: Nephrotic Syndrome, type 5; NEPHROTIC SYNDROME, TYPE 5, WITHOUT OCULAR ABNORMALITIES; NEPHROTIC SYNDROME, TYPE 5, WITH OCULAR ABNORMALITIES. Identifiers: Orphanet 306507, MedGen C3280113, MONDO:0013621, OMIM 614199.

Allele frequency attached by ClinVar (database versions not stated): ExAC 0.00001; gnomAD exomes 0.00002; gnomAD 0.00004 and 0.00005; TOPMed 0.00007; ESP Exome Variant Server 0.00008.

Submissions (2):

Labcorp Genetics (formerly Invitae), Labcorp
Classification: Uncertain significance for LAMB2-related infantile-onset nephrotic syndrome; Pierson syndrome. Last evaluated: 2025-09-24. Review status: criteria provided, single submitter. Criteria: Invitae Variant Classification Sherloc (09022015). Collection method: clinical testing. Allele origin: germline.
Comment: This sequence change replaces arginine, which is basic and polar, with tryptophan, which is neutral and slightly polar, at codon 1674 of the LAMB2 protein (p.Arg1674Trp). This variant is present in population databases (rs138816491, gnomAD 0.006%). This variant has not been reported in the literature in individuals affected with LAMB2-related conditions. ClinVar contains an entry for this variant (Variation ID: 1405752). An algorithm developed to predict the effect of missense changes on protein structure and function outputs the following: PolyPhen-2: "Benign". The tryptophan amino acid residue is found in multiple mammalian species, which suggests that this missense change does not adversely affect protein function. In summary, the available evidence is currently insufficient to determine the role of this variant in disease. Therefore, it has been classified as a Variant of Uncertain Significance.

Ambry Genetics
Classification: Likely benign for Inborn genetic diseases. Last evaluated: 2025-07-14. Review status: criteria provided, single submitter. Criteria: Ambry Variant Classification Scheme 2023. Collection method: clinical testing. Allele origin: germline.